The following is an entry in ClinVar:

NM_001197104.2(KMT2A):c.10588_10589del (p.Ser3530fs)

Gene: KMT2A (lysine methyltransferase 2A; plus strand). Cytogenetic location: 11q23.3.
Variant type: Deletion.
Coding change: c.10588_10589del on transcript NM_001197104.2 (MANE Select); coding-DNA positions 10588 to 10589, 2 bases deleted (AG; older notation c.10588_10589delAG).
Protein change: p.Ser3530fs; shifts the reading frame from serine 3530.
Molecular consequence: frameshift variant.
Genome position (GRCh38, 1-based): chr11:118,506,480-118,506,481, AG deleted. VCF-style (leftmost placement, unchanged base first): chr11-118506479-AAG-A. GRCh37 (hg19) VCF-style: chr11-118377194-AAG-A.
Other names: p.Ser3530Profs*8; c.10678_10679del, p.Ser3560fs (NM_001412597.1); c.10579_10580del, p.Ser3527fs (NM_005933.4); short protein forms S3527fs, S3530fs, S3560fs.
Identifiers: ClinVar variation 4526433 (VCV004526433.1).
Genomic context (GRCh38, chr11:118,506,479, plus strand): 5'-AGCCAGCCCCACCTCTCCTGGGGGTTCTCCATCCTCTCCATCTTCTGGACAGCGGTCAGC[AAG>A]CCCTTCAGTGCCGGGTCCCACTAAACCCAAACCAAAAACCAAACGGTTTCAGCTGCCTCT-3'

ClinVar aggregate classification (germline): Pathogenic (1 of 4 stars; one submission).

Conditions:
Wiedemann-Steiner syndrome (WDSTS). Also called: Growth deficiency and mental retardation with facial dysmorphism. Identifiers: Orphanet 319182, MedGen C1854630, MONDO:0011518, OMIM 605130.

Submission:

Molecular Genetics and NGS Laboratory, Hospital Fundacion Valle Del Lili
Classification: Pathogenic for Wiedemann-Steiner syndrome. Last evaluated: 2025-10-29. Review status: criteria provided, single submitter. Criteria: ACMG Guidelines, 2015. Collection method: clinical testing. Allele origin: de novo. Inheritance: Autosomal dominant inheritance. Affected: yes. Observed: 1 heterozygote.
Comment: The variant was reviewed and reclassified as pathogenic based on the following American College of Medical Genetics and Genomics (ACMG) criteria: PVS1: Null variant (frame-shift) in gene KMT2A, predicted to cause NMD. Loss-of-function is a known mechanism of disease (gene has 486 reported pathogenic LOF variants). The exon affects 1 functional domain: UniProt protein KMT2A_HUMAN region of interest 'Disordered'. The exon contains 145 pathogenic variants. The truncated region contains 39 pathogenic variants. PS2: De novo variant, not present in the parents. PM2: Variant not found in gnomAD genomes, good gnomAD genomes coverage = 30.6. Variant not found in gnomAD exomes, good gnomAD exomes coverage = 34.0. PP4: Condition highly compatible with the patient's phenotype.